The following is an entry in ClinVar:

ClinVar aggregate classification (germline): Uncertain significance (1 of 4 stars; one submission).

Submission:

Labcorp Genetics (formerly Invitae), Labcorp
Classification: Uncertain significance. Last evaluated: 2022-08-20. Review status: criteria provided, single submitter. Criteria: Invitae Variant Classification Sherloc (09022015). Collection method: clinical testing. Allele origin: germline.
Comment: This sequence change replaces isoleucine, which is neutral and non-polar, with methionine, which is neutral and non-polar, at codon 563 of the MTHFD1 protein (p.Ile563Met). This variant is present in population databases (no rsID available, gnomAD 0.003%). This variant has not been reported in the literature in individuals affected with MTHFD1-related conditions. Algorithms developed to predict the effect of missense changes on protein structure and function are either unavailable or do not agree on the potential impact of this missense change (SIFT: "Deleterious"; PolyPhen-2: "Probably Damaging"; Align-GVGD: "Class C0"). In summary, the available evidence is currently insufficient to determine the role of this variant in disease. Therefore, it has been classified as a Variant of Uncertain Significance.

NM_005956.4(MTHFD1):c.1689C>G (p.Ile563Met)

Gene: MTHFD1 (methylenetetrahydrofolate dehydrogenase, cyclohydrolase and formyltetrahydrofolate synthetase 1; plus strand). Cytogenetic location: 14q23.3.
Variant type: single nucleotide variant.
Coding change: c.1689C>G on transcript NM_005956.4 (MANE Select); coding-DNA position 1689, C replaced by G.
Protein change: p.Ile563Met; replaces isoleucine 563 with methionine.
Molecular consequence: missense variant.
Genome position (GRCh38, 1-based): chr14:64,440,140, C>G. VCF-style: chr14-64440140-C-G. GRCh37 (hg19) VCF-style: chr14-64906858-C-G.
Other names: c.1689C>G, p.Ile563Met (NM_001364837.1); short protein forms I563M.
Identifiers: ClinVar variation 1717207 (VCV001717207.3), dbSNP rs770631707, ClinGen allele CA389995143.
Genomic context (GRCh38, chr14:64,440,140, plus strand): 5'-GGTTTAACACAAAGTTTTTGCTAGTACCTCTTTTCCCTGCCCACAGGCCCAGTTTGATAT[C>G]TCTGTGGCCAGTGAAATTATGGCTGTCCTGGCTCTCACCACTTCTCTAGAAGACATGAGA-3'
Protein context (NP_005947.3, residues 553-573): KGHTRTAQFD[Ile563Met]SVASEIMAVL